The following is an entry in ClinVar:

NM_133497.4(KCNV2):c.872A>C (p.Gln291Pro)

Gene: KCNV2 (potassium voltage-gated channel modifier subfamily V member 2; plus strand). Cytogenetic location: 9p24.2.
Variant type: single nucleotide variant.
Coding change: c.872A>C on transcript NM_133497.4 (MANE Select); coding-DNA position 872, A replaced by C.
Protein change: p.Gln291Pro; replaces glutamine 291 with proline.
Molecular consequence: missense variant.
Genome position (GRCh38, 1-based): chr9:2,718,611, A>C. VCF-style: chr9-2718611-A-C. GRCh37 (hg19) VCF-style: chr9-2718611-A-C.
Other names: short protein forms Q291P.
Identifiers: ClinVar variation 1020472 (VCV001020472.8), dbSNP rs758417708, ClinGen allele CA372799764.

ClinVar aggregate classification (germline): Uncertain significance (1 of 4 stars; one submission).

Allele frequency attached by ClinVar (database versions not stated): TOPMed 0.00002; gnomAD 0.00003 and 0.00004.
gnomAD v4.1: 34 of 1,612,992 alleles (0.0021%); highest among the groups gnomAD compares: South Asian, 0.0066%; no homozygotes.

Submission:

Labcorp Genetics (formerly Invitae), Labcorp
Classification: Uncertain significance. Last evaluated: 2020-06-02. Review status: criteria provided, single submitter. Criteria: Invitae Variant Classification Sherloc (09022015). Collection method: clinical testing. Allele origin: germline.
Comment: This sequence change replaces glutamine with proline at codon 291 of the KCNV2 protein (p.Gln291Pro). The glutamine residue is moderately conserved and there is a moderate physicochemical difference between glutamine and proline. In summary, the available evidence is currently insufficient to determine the role of this variant in disease. Therefore, it has been classified as a Variant of Uncertain Significance. Algorithms developed to predict the effect of missense changes on protein structure and function output the following: SIFT: "Tolerated"; PolyPhen-2: "Benign"; Align-GVGD: "Class C0". The proline amino acid residue is found in multiple mammalian species, suggesting that this missense change does not adversely affect protein function. These predictions have not been confirmed by published functional studies and their clinical significance is uncertain. This variant has not been reported in the literature in individuals with KCNV2-related conditions. This variant is not present in population databases (ExAC no frequency).